The following is an entry in ClinVar:

NM_000038.6(APC):c.157G>A (p.Gly53Arg)

Gene: APC (APC regulator of Wnt signaling pathway; plus strand). Cytogenetic location: 5q22.2.
Variant type: single nucleotide variant.
Coding change: c.157G>A on transcript NM_000038.6 (MANE Select); coding-DNA position 157, G replaced by A.
Protein change: p.Gly53Arg; replaces glycine 53 with arginine.
Molecular consequence: missense variant. On other transcripts: 5 prime UTR variant (8), non-coding transcript variant (2).
Genome position (GRCh38, 1-based): chr5:112,766,347, G>A. VCF-style: chr5-112766347-G-A. GRCh37 (hg19) VCF-style: chr5-112102044-G-A.
Other names: c.157G>A, p.Gly53Arg (NM_001407452.1, NM_001407454.1, NM_001407455.1 and 16 more transcripts); c.-21G>A (NM_001407453.1, NM_001354900.2, NM_001354901.2 and 1 more transcripts); c.187G>A, p.Gly63Arg (NM_001127511.3, NM_001354897.2, NM_001354902.2 and 1 more transcripts); c.82G>A, p.Gly28Arg (NM_001354898.2, NM_001354904.2, NM_001407451.1); c.-879G>A (NM_001354906.2, NM_001407470.1, NM_001407471.1 and 1 more transcripts); short protein forms G53R, G63R, G28R.
Identifiers: ClinVar variation 3572052 (VCV003572052.2).
Genomic context (GRCh38, chr5:112,766,347, plus strand): 5'-TTAGAATTTCATGTTAATATATTGTGTTCTTTTTAACAGGAAGTACTTAAACAACTACAA[G>A]GAAGTATTGAAGATGAAGCTATGGCTTCTTCTGGACAGATTGATTTATTAGAGCGTCTTA-3'
Protein context (NP_000029.2, residues 43-63): NMKEVLKQLQ[Gly53Arg]SIEDEAMASS

ClinVar aggregate classification (germline): Uncertain significance. Review status: criteria provided, multiple submitters, no conflicts (2 of 4 stars). 2 submissions from 2 submitters: Uncertain significance (2). Last evaluated 2026-04-10.

Conditions:
Hereditary cancer-predisposing syndrome. Also called: Hereditary neoplastic syndrome; Tumor predisposition; Hereditary Cancer Syndrome; Neoplastic Syndromes, Hereditary. Identifiers: Orphanet 140162, MedGen C0027672, MeSH D009386, MONDO:0015356.

gnomAD v4.1: 1 of 1,609,100 alleles (0.000062%); highest among the groups gnomAD compares: Admixed American, 0.0017%; no homozygotes.

Submissions (2):

Ambry Genetics
Classification: Uncertain significance for Hereditary cancer-predisposing syndrome. Last evaluated: 2026-04-10. Review status: criteria provided, single submitter. Criteria: Ambry Variant Classification Scheme 2023. Collection method: clinical testing. Allele origin: germline.
Comment: The p.G53R variant (also known as c.157G>A), located in coding exon 2 of the APC gene, results from a G to A substitution at nucleotide position 157. The glycine at codon 53 is replaced by arginine, an amino acid with dissimilar properties. This amino acid position is highly conserved in available vertebrate species. In addition, in silico predictors for this gene do not accurately predict pathogenicity. Missense variants in APC are not a common cause of disease (Spier I et al. Genet Med. 2024 Feb;26(2):100992). Based on the available evidence, the clinical significance of this variant remains unclear.

Quest Diagnostics Nichols Institute San Juan Capistrano
Classification: Uncertain significance. Last evaluated: 2024-11-25. Review status: criteria provided, single submitter. Criteria: Quest Diagnostics criteria. Collection method: clinical testing. Allele origin: unknown.
Comment: The APC c.157G>A (p.Gly53Arg) variant has not been reported in individuals with APC-related conditions in the published literature. The frequency of this variant in the general population, 0.000004 (1/251070 chromosomes (Genome Aggregation Database)), is uninformative in the assessment of its pathogenicity. Analysis of this variant using bioinformatics tools for the prediction of the effect of amino acid changes on protein structure and function yielded predictions that this variant is damaging. Based on the available information, we are unable to determine the clinical significance of this variant.

Literature cited by the submitters: PubMed 34162180 (cited by Quest Diagnostics Nichols Institute San Juan Capistrano).